The following is an entry in ClinVar:

NM_025152.3(NUBPL):c.423T>A (p.Cys141Ter)

Gene: NUBPL (NUBP iron-sulfur cluster assembly factor, mitochondrial; plus strand). Cytogenetic location: 14q12.
Variant type: single nucleotide variant.
Coding change: c.423T>A on transcript NM_025152.3 (MANE Select); coding-DNA position 423, T replaced by A.
Protein change: p.Cys141Ter; replaces cysteine 141 with a stop codon.
Molecular consequence: nonsense. On other transcripts: non-coding transcript variant (1).
Genome position (GRCh38, 1-based): chr14:31,673,484, T>A. VCF-style: chr14-31673484-T-A. GRCh37 (hg19) VCF-style: chr14-32142690-T-A.
Other names: c.135T>A, p.Cys45Ter (NM_001201573.2); short protein forms C141*, C45*.
Identifiers: ClinVar variation 1388237 (VCV001388237.6), dbSNP rs2139812107, ClinGen allele CA389480556.

ClinVar aggregate classification (germline): Pathogenic (1 of 4 stars; one submission).

Submission:

Labcorp Genetics (formerly Invitae), Labcorp
Classification: Pathogenic. Last evaluated: 2024-01-24. Review status: criteria provided, single submitter. Criteria: Invitae Variant Classification Sherloc (09022015). Collection method: clinical testing. Allele origin: germline.
Comment: This sequence change creates a premature translational stop signal (p.Cys141*) in the NUBPL gene. It is expected to result in an absent or disrupted protein product. Loss-of-function variants in NUBPL are known to be pathogenic (PMID: 23553477, 31917109). This variant is not present in population databases (gnomAD no frequency). This variant has not been reported in the literature in individuals affected with NUBPL-related conditions. ClinVar contains an entry for this variant (Variation ID: 1388237). For these reasons, this variant has been classified as Pathogenic.

Literature cited by the submitters: PubMed 23553477; PubMed 31917109.